The following is an entry in ClinVar:

NM_001386795.1(DTNA):c.515G>A (p.Arg172Gln)

Gene: DTNA (dystrobrevin alpha; plus strand). Cytogenetic location: 18q12.1.
Variant type: single nucleotide variant.
Coding change: c.515G>A on transcript NM_001386795.1 (MANE Select); coding-DNA position 515, G replaced by A.
Protein change: p.Arg172Gln; replaces arginine 172 with glutamine.
Molecular consequence: missense variant.
Genome position (GRCh38, 1-based): chr18:34,812,025, G>A. VCF-style: chr18-34812025-G-A. GRCh37 (hg19) VCF-style: chr18-32391989-G-A.
Other names: c.515G>A, p.Arg172Gln (NM_001198938.2, NM_001198939.2, NM_001198940.2 and 35 more transcripts); short protein forms R172Q.
Identifiers: ClinVar variation 935064 (VCV000935064.10), dbSNP rs774940705, ClinGen allele CA8935398.

ClinVar aggregate classification (germline): Uncertain significance. Review status: criteria provided, multiple submitters, no conflicts (2 of 4 stars). 2 submissions from 2 submitters: Uncertain significance (2). Last evaluated 2025-12-24.

Conditions:
Left ventricular noncompaction 1 (LVNC1). Also called: LEFT VENTRICULAR NONCOMPACTION 1 WITH OR WITHOUT CONGENITAL HEART DEFECTS. Identifiers: Orphanet 54260, MedGen C1858725, MONDO:0011403, OMIM 604169.

Allele frequency attached by ClinVar (database versions not stated): gnomAD exomes 0.00002 and 0.00003; TOPMed 0.00002; ExAC 0.00003.
gnomAD v4.1: 23 of 1,613,896 alleles (0.0014%); highest among the groups gnomAD compares: South Asian, 0.02%; no homozygotes.

Submissions (2):

Labcorp Genetics (formerly Invitae), Labcorp
Classification: Uncertain significance for Left ventricular noncompaction 1. Last evaluated: 2025-12-24. Review status: criteria provided, single submitter. Criteria: Invitae Variant Classification Sherloc (09022015). Collection method: clinical testing. Allele origin: germline.
Comment: This sequence change replaces arginine, which is basic and polar, with glutamine, which is neutral and polar, at codon 172 of the DTNA protein (p.Arg172Gln). This variant is present in population databases (rs774940705, gnomAD 0.02%). This missense change has been observed in individual(s) with sudden unexplained death (PMID: 29247119). ClinVar contains an entry for this variant (Variation ID: 935064). Invitae Evidence Modeling of protein sequence and biophysical properties (such as structural, functional, and spatial information, amino acid conservation, physicochemical variation, residue mobility, and thermodynamic stability) indicates that this missense variant is not expected to disrupt DTNA protein function with a negative predictive value of 80%. In summary, the available evidence is currently insufficient to determine the role of this variant in disease. Therefore, it has been classified as a Variant of Uncertain Significance.

Neuberg Centre For Genomic Medicine, NCGM
Classification: Uncertain significance for Left ventricular noncompaction 1. Review status: criteria provided, single submitter. Criteria: ACMG Guidelines, 2015. Collection method: clinical testing. Allele origin: germline. Inheritance: Autosomal dominant inheritance. Affected: yes.
Comment: The missense variant p.R172Q in DTNA (NM_032978.7) has not been reported previously as a pathogenic variant nor as a benign variant, to our knowledge.The missense variant c.515G>A (p.R172Q) in DTNA (NM_032978.7) is observed in 7/30616 (0.0229%) alleles from individuals of South Asian background in the gnomAD dataset (Exome Aggregation Consortium et al., 2016), but was not seen in the homozygous state. It has been submitted to ClinVar as Uncertain Significance. The p.R172Q missense variant is predicted to be damaging by both SIFT and PolyPhen2. The arginine residue at codon 172 of DTNA is conserved in all mammalian species. The nucleotide c.515 in DTNA is predicted conserved by GERP++ and PhyloP across 100 vertebrates. For these reasons, this variant has been classified as Uncertain Significance.

Literature cited by the submitters: PubMed 29247119 (cited by Labcorp Genetics (formerly Invitae), Labcorp).